The following is an entry in ClinVar:

NM_001109809.5(ZFP57):c.668G>A (p.Arg223His)

Gene: ZFP57 (ZFP57 zinc finger protein; minus strand). Cytogenetic location: 6p22.1.
Variant type: single nucleotide variant.
Coding change: c.668G>A on transcript NM_001109809.5 (MANE Select); coding-DNA position 668, G replaced by A.
Protein change: p.Arg223His; replaces arginine 223 with histidine.
Molecular consequence: missense variant.
Genome position (GRCh38, 1-based): chr6:29,673,443, C>T on the plus strand (G>A on the coding strand, the complement: ZFP57 is on the minus strand). VCF-style: chr6-29673443-C-T. GRCh37 (hg19) VCF-style: chr6-29641220-C-T.
Other names: c.668G>A (NM_001109809.2); c.452G>A, p.Arg151His (NM_001366333.2); short protein forms R223H, R151H.
Identifiers: ClinVar variation 2166345 (VCV002166345.5), dbSNP rs752929320, ClinGen allele CA3690778.

ClinVar aggregate classification (germline): Uncertain significance. Review status: criteria provided, multiple submitters, no conflicts (2 of 4 stars). 2 submissions from 2 submitters: Uncertain significance (2). Last evaluated 2025-04-13.

Conditions:
Inborn genetic diseases. Identifiers: MedGen C0950123, MeSH D030342.

Allele frequency attached by ClinVar (database versions not stated): ExAC 0.00001; gnomAD exomes 0.00003; TOPMed 0.00005; gnomAD 0.00008.
gnomAD v4.1: 60 of 1,612,938 alleles (0.0037%); highest among the groups gnomAD compares: African/African-American, 0.017%; no homozygotes.

Submissions (2):

Ambry Genetics
Classification: Uncertain significance for Inborn genetic diseases. Last evaluated: 2025-04-13. Review status: criteria provided, single submitter. Criteria: Ambry Variant Classification Scheme 2023. Collection method: clinical testing. Allele origin: germline.

Labcorp Genetics (formerly Invitae), Labcorp
Classification: Uncertain significance. Last evaluated: 2022-01-11. Review status: criteria provided, single submitter. Criteria: Invitae Variant Classification Sherloc (09022015). Collection method: clinical testing. Allele origin: germline.
Comment: In summary, the available evidence is currently insufficient to determine the role of this variant in disease. Therefore, it has been classified as a Variant of Uncertain Significance. Algorithms developed to predict the effect of missense changes on protein structure and function output the following: SIFT: "Not Available"; PolyPhen-2: "Benign"; Align-GVGD: "Not Available". The histidine amino acid residue is found in multiple mammalian species, which suggests that this missense change does not adversely affect protein function. This variant has not been reported in the literature in individuals affected with ZFP57-related conditions. This variant is present in population databases (rs752929320, gnomAD 0.02%). This sequence change replaces arginine, which is basic and polar, with histidine, which is basic and polar, at codon 223 of the ZFP57 protein (p.Arg223His).